The following is an entry in ClinVar:

NM_025144.4(ALPK1):c.2018C>A (p.Pro673His)

Gene: ALPK1 (alpha kinase 1; plus strand). Cytogenetic location: 4q25.
Variant type: single nucleotide variant.
Coding change: c.2018C>A on transcript NM_025144.4 (MANE Select); coding-DNA position 2018, C replaced by A.
Protein change: p.Pro673His; replaces proline 673 with histidine.
Molecular consequence: missense variant.
Genome position (GRCh38, 1-based): chr4:112,431,565, C>A. VCF-style: chr4-112431565-C-A. GRCh37 (hg19) VCF-style: chr4-113352721-C-A.
Other names: c.2018C>A, p.Pro673His (NM_001102406.2); c.1784C>A, p.Pro595His (NM_001253884.2); short protein forms P673H, P595H.
Identifiers: ClinVar variation 2769560 (VCV002769560.3), dbSNP rs762439320, ClinGen allele CA357896628.

ClinVar aggregate classification (germline): Uncertain significance (1 of 4 stars; one submission).

Allele frequency attached by ClinVar (database versions not stated): gnomAD exomes below 0.00001.
gnomAD v4.1: 1 of 1,614,096 alleles (0.000062%); highest among the groups gnomAD compares: Admixed American, 0.0017%; no homozygotes.

Submission:

Labcorp Genetics (formerly Invitae), Labcorp
Classification: Uncertain significance. Last evaluated: 2023-10-17. Review status: criteria provided, single submitter. Criteria: Invitae Variant Classification Sherloc (09022015). Collection method: clinical testing. Allele origin: germline.
Comment: This sequence change replaces proline, which is neutral and non-polar, with histidine, which is basic and polar, at codon 673 of the ALPK1 protein (p.Pro673His). This variant is not present in population databases (gnomAD no frequency). This variant has not been reported in the literature in individuals affected with ALPK1-related conditions. Advanced modeling of protein sequence and biophysical properties (such as structural, functional, and spatial information, amino acid conservation, physicochemical variation, residue mobility, and thermodynamic stability) performed at Invitae indicates that this missense variant is not expected to disrupt ALPK1 protein function. In summary, the available evidence is currently insufficient to determine the role of this variant in disease. Therefore, it has been classified as a Variant of Uncertain Significance.